The following is an entry in ClinVar:

NM_022552.5(DNMT3A):c.1015-4C>G

Gene: DNMT3A (DNA methyltransferase 3 alpha; minus strand). Cytogenetic location: 2p23.3.
Variant type: single nucleotide variant.
Coding change: c.1015-4C>G on transcript NM_022552.5 (MANE Select); 4 bases into the intron before coding-DNA position 1015, C replaced by G.
Molecular consequence: intron variant.
Genome position (GRCh38, 1-based): chr2:25,247,162, G>C on the plus strand (C>G on the coding strand, the complement: DNMT3A is on the minus strand). VCF-style: chr2-25247162-G-C. GRCh37 (hg19) VCF-style: chr2-25470031-G-C.
Other names: c.559-4C>G (NM_001320893.1); c.346-4C>G (NM_001375819.1); c.1015-4C>G (NM_175629.2); c.448-4C>G (NM_153759.3).
Identifiers: ClinVar variation 3032798 (VCV003032798.4), dbSNP rs771608861, ClinGen allele CA1556189.

ClinVar aggregate classification (germline): Likely benign. Review status: criteria provided, single submitter (1 of 4 stars). 2 submissions from 2 submitters: Likely benign (1). 1 of the submissions does not count toward it. Last evaluated 2024-10-17.

Conditions:
DNMT3A-related disorder. Also called: DNMT3A-related disorders; DNMT3A-related condition.
Tatton-Brown-Rahman overgrowth syndrome. Also called: Tatton-Brown-Rahman syndrome; Tall stature-intellectual disability-facial dysmorphism syndrome. Identifiers: Orphanet 404443, MedGen C4014545, MONDO:0014382, OMIM 615879.

Allele frequency attached by ClinVar (database versions not stated): gnomAD exomes below 0.00001; ExAC 0.00001.
gnomAD v4.1: 3 of 1,613,664 alleles (0.00019%); highest among the groups gnomAD compares: African/African-American, 0.0013%; no homozygotes.

Submissions (2):

Labcorp Genetics (formerly Invitae), Labcorp
Classification: Likely benign for Tatton-Brown-Rahman overgrowth syndrome. Last evaluated: 2024-10-17. Review status: criteria provided, single submitter. Criteria: Invitae Variant Classification Sherloc (09022015). Collection method: clinical testing. Allele origin: germline.

PreventionGenetics, part of Exact Sciences
Classification: Likely benign for DNMT3A-related condition. Last evaluated: 2021-08-09. Review status: no assertion criteria provided. Collection method: clinical testing. Allele origin: germline. Not counted in ClinVar's aggregate classification.
Comment: This variant is classified as likely benign based on ACMG/AMP sequence variant interpretation guidelines (Richards et al. 2015 PMID: 25741868, with internal and published modifications).